The following is an entry in ClinVar:

NM_002230.4(JUP):c.1347C>T (p.Asp449=)

Gene: JUP (junction plakoglobin; minus strand). Cytogenetic location: 17q21.2.
Variant type: single nucleotide variant.
Coding change: c.1347C>T on transcript NM_002230.4 (MANE Select); coding-DNA position 1347, C replaced by T.
Protein change: p.Asp449=; no amino-acid change (aspartic acid 449 retained).
Molecular consequence: synonymous variant.
Genome position (GRCh38, 1-based): chr17:41,763,133, G>A on the plus strand (C>T on the coding strand, the complement: JUP is on the minus strand). VCF-style: chr17-41763133-G-A. GRCh37 (hg19) VCF-style: chr17-39919385-G-A.
Other names: c.1347C>T, p.Asp449= (NM_001352773.2, NM_001352774.2, NM_001352775.2 and 3 more transcripts).
Identifiers: ClinVar variation 385959 (VCV000385959.15), dbSNP rs763261901, ClinGen allele CA15903373.

ClinVar aggregate classification (germline): Conflicting classifications of pathogenicity. Review status: criteria provided, conflicting classifications (1 of 4 stars). 6 submissions from 5 submitters: Uncertain significance (2); Likely benign (4). Last evaluated 2025-12-26.

Conditions:
Arrhythmogenic right ventricular dysplasia 12. Also called: ARRHYTHMOGENIC RIGHT VENTRICULAR DYSPLASIA, FAMILIAL, 12. Identifiers: MedGen C1969081, MONDO:0012684, OMIM 611528.
Cardiovascular phenotype. Identifiers: MedGen CN230736.
Naxos disease (NXD). Also called: WOOLLY HAIR, PALMOPLANTAR KERATODERMA, AND CARDIAC ABNORMALITIES; CARDIOMYOPATHY, ARRHYTHMOGENIC RIGHT VENTRICULAR, WITH SKIN, HAIR, AND NAIL ABNORMALITIES; PALMOPLANTAR KERATODERMA WITH ARRHYTHMOGENIC RIGHT VENTRICULAR CARDIOMYOPATHY AND WOOLLY HAIR; KERATOSIS PALMOPLANTARIS WITH ARRHYTHMOGENIC CARDIOMYOPATHY; MAL DE NAXOS. Identifiers: Orphanet 34217, MedGen C1832600, MONDO:0011017, OMIM 601214.

Allele frequency attached by ClinVar (database versions not stated): gnomAD 0.00001; gnomAD exomes 0.00001 and 0.00002; TOPMed 0.00002.
gnomAD v4.1: 28 of 1,614,086 alleles (0.0017%); highest among the groups gnomAD compares: East Asian, 0.016%; no homozygotes.

Submissions (6):

Labcorp Genetics (formerly Invitae), Labcorp
Classification: Likely benign for Arrhythmogenic right ventricular dysplasia 12; Naxos disease. Last evaluated: 2025-12-26. Review status: criteria provided, single submitter. Criteria: Invitae Variant Classification Sherloc (09022015). Collection method: clinical testing. Allele origin: germline.

Women's Health and Genetics/Laboratory Corporation of America, LabCorp
Classification: Likely benign. Last evaluated: 2021-05-16. Review status: criteria provided, single submitter. Criteria: LabCorp Variant Classification Summary - May 2015. Collection method: clinical testing. Allele origin: germline.

Ambry Genetics
Classification: Likely benign for Cardiovascular phenotype. Last evaluated: 2020-08-30. Review status: criteria provided, single submitter. Criteria: Ambry Variant Classification Scheme 2023. Collection method: clinical testing. Allele origin: germline.

Illumina Laboratory Services, Illumina
Classification: Uncertain significance for Naxos disease. Last evaluated: 2018-01-13. Review status: criteria provided, single submitter. Criteria: ICSL Variant Classification Criteria 13 December 2019. Collection method: clinical testing. Allele origin: germline.

Illumina Laboratory Services, Illumina
Classification: Uncertain significance for Arrhythmogenic right ventricular dysplasia 12. Last evaluated: 2018-01-13. Review status: criteria provided, single submitter. Criteria: ICSL Variant Classification Criteria 13 December 2019. Collection method: clinical testing. Allele origin: germline.

GeneDx
Classification: Likely benign. Last evaluated: 2016-05-12. Review status: criteria provided, single submitter. Criteria: GeneDx Variant Classification (06012015). Collection method: clinical testing. Allele origin: germline. Affected: yes.
Comment: This variant is considered likely benign or benign based on one or more of the following criteria: it is a conservative change, it occurs at a poorly conserved position in the protein, it is predicted to be benign by multiple in silico algorithms, and/or has population frequency not consistent with disease.